The following is an entry in ClinVar:

NM_001163435.3(TBCK):c.136_162dup (p.Cys54_Gln55insLysThrIleThrHisProArgLeuCys)

Gene: TBCK (TBC1 domain containing kinase; minus strand). Cytogenetic location: 4q24.
Variant type: Duplication.
Coding change: c.136_162dup on transcript NM_001163435.3 (MANE Select); coding-DNA positions 136 to 162, 27 bases duplicated (AAAACCATCACCCATCCCAGACTCTGC).
Protein change: p.Cys54_Gln55insLysThrIleThrHisProArgLeuCys.
Molecular consequence: inframe insertion. On other transcripts: 5 prime UTR variant (1).
Genome position (GRCh38, 1-based): chr4:106,308,799-106,308,825, GCAGAGTCTGGGATGGGTGATGGTTTT duplicated on the plus strand (AAAACCATCACCCATCCCAGACTCTGC on the coding strand, the reverse complement: TBCK is on the minus strand). VCF-style (leftmost placement, unchanged base first): chr4-106308798-G-GGCAGAGTCTGGGATGGGTGATGGTTTT. GRCh37 (hg19) VCF-style: chr4-107229955-G-GGCAGAGTCTGGGATGGGTGATGGTTTT.
Other names: c.136_162dup, p.Cys54_Gln55insLysThrIleThrHisProArgLeuCys (NM_001163436.4, NM_001163437.3, NM_033115.5); c.-482_-456dup (NM_001290768.2); c.136_162dup (NM_001163435.2).
Identifiers: ClinVar variation 1961153 (VCV001961153.6), dbSNP rs770499671, ClinGen allele CA3035531.

ClinVar aggregate classification (germline): Uncertain significance (1 of 4 stars; one submission).

Conditions:
Hypotonia, infantile, with psychomotor retardation and characteristic facies 1 (INNFD). Identifiers: Orphanet 371364, Orphanet 700336, MedGen C3809454, MONDO:0024567, OMIM 615419.

Allele frequency attached by ClinVar (database versions not stated): ExAC 0.00001.

Submission:

Labcorp Genetics (formerly Invitae), Labcorp
Classification: Uncertain significance. Last evaluated: 2023-11-17. Review status: criteria provided, single submitter. Criteria: Invitae Variant Classification Sherloc (09022015). Collection method: clinical testing. Allele origin: germline.
Comment: This variant, c.136_162dup, results in the insertion of 9 amino acid(s) of the TBCK protein (p.Lys46_Cys54dup), but otherwise preserves the integrity of the reading frame. This variant is present in population databases (rs770499671, gnomAD 0.0009%). This variant has been observed in individual(s) with clinical features of TBCK-related conditions (Invitae). In at least one individual the data is consistent with being in trans (on the opposite chromosome) from a pathogenic variant. ClinVar contains an entry for this variant (Variation ID: 1961153). Experimental studies and prediction algorithms are not available or were not evaluated, and the functional significance of this variant is currently unknown. In summary, the available evidence is currently insufficient to determine the role of this variant in disease. Therefore, it has been classified as a Variant of Uncertain Significance.